The following is an entry in ClinVar:

ClinVar aggregate classification (germline): Pathogenic (1 of 4 stars; one submission).

Submission:

Labcorp Genetics (formerly Invitae), Labcorp
Classification: Pathogenic. Last evaluated: 2019-10-10. Review status: criteria provided, single submitter. Criteria: Invitae Variant Classification Sherloc (09022015). Collection method: clinical testing. Allele origin: germline.
Comment: A gross deletion of the genomic region encompassing the full coding sequence of the RP2 gene has been identified. The boundaries of this event are unknown as the deletion extends beyond the assayed region for this gene and therefore may encompass additional genes. A similar deletion has been observed in an individual affected with clinical features of retinitis pigmentosa (PMID: 16969763). Loss-of-function variants in RP2 are known to be pathogenic (PMID: 11992260, 20625056). For these reasons, this variant has been classified as Pathogenic.

Literature cited by the submitters: PubMed 16969763.

NC_000023.10:g.(?_45605561)_(46952346_?)del

Genes: CHST7 (carbohydrate sulfotransferase 7; plus strand), JADE3 (jade family PHD finger 3; plus strand), KRBOX4 (KRAB box domain containing 4; plus strand), MIR221 (microRNA 221; minus strand), MIR222 (microRNA 222; minus strand) and 4 more. Cytogenetic location: Xp11.3-11.23.
Variant type: Deletion.
Identifiers: ClinVar variation 830980 (VCV000830980.1).